The following is an entry in ClinVar:

ClinVar aggregate classification (germline): Uncertain significance. Review status: criteria provided, multiple submitters, no conflicts (2 of 4 stars). 3 submissions from 3 submitters: Uncertain significance (3). Last evaluated 2026-08-29.

Conditions:
Ehlers-Danlos syndrome, classic type, 1 (EDSCL1). Also called: EHLERS-DANLOS SYNDROME, GRAVIS TYPE; EHLERS-DANLOS SYNDROME, SEVERE CLASSIC TYPE; Ehlers-Danlos Syndrome, Classic Type, COL5A1-Related; EDS I; Ehlers-Danlos syndrome, type 1. Identifiers: MedGen C0268335, MONDO:0019567, OMIM 130000.
Osteogenesis imperfecta type I (OI1). Also called: OI, TYPE I; Lobstein disease; OSTEOGENESIS IMPERFECTA TARDA; OSTEOGENESIS IMPERFECTA WITH BLUE SCLERAE; Osteogenesis imperfecta type 1; Lobstein's Disease. Identifiers: Orphanet 216796, Orphanet 666, MedGen C0023931, MONDO:0008146, OMIM 166200. Disease mechanism: loss of function.
Cardiovascular phenotype. Identifiers: MedGen CN230736.

Allele frequency attached by ClinVar (database versions not stated): gnomAD 0.00001; gnomAD exomes 0.00001 and 0.00003; TOPMed 0.00002; ExAC 0.00003; 1000 Genomes Project 30x 0.00016.
gnomAD v4.1: 12 of 1,587,392 alleles (0.00076%); highest among the groups gnomAD compares: Admixed American, 0.016%; no homozygotes.

Submissions (3):

Ambry Genetics
Classification: Uncertain significance for Cardiovascular phenotype. Last evaluated: 2026-08-29. Review status: criteria provided, single submitter. Criteria: Ambry Variant Classification Scheme 2023. Collection method: clinical testing. Allele origin: germline.
Comment: The p.I606T variant (also known as c.1817T>C), located in coding exon 31 of the COL1A2 gene, results from a T to C substitution at nucleotide position 1817. The isoleucine at codon 606 is replaced by threonine, an amino acid with similar properties. This amino acid position is conserved. In addition, the in silico prediction for this alteration is inconclusive. Based on the available evidence, the clinical significance of this variant remains unclear.

Labcorp Genetics (formerly Invitae), Labcorp
Classification: Uncertain significance for Osteogenesis imperfecta type I; Ehlers-Danlos syndrome, classic type, 1. Last evaluated: 2023-12-13. Review status: criteria provided, single submitter. Criteria: Invitae Variant Classification Sherloc (09022015). Collection method: clinical testing. Allele origin: germline.
Comment: This sequence change replaces isoleucine, which is neutral and non-polar, with threonine, which is neutral and polar, at codon 606 of the COL1A2 protein (p.Ile606Thr). This variant is present in population databases (rs757262502, gnomAD 0.02%). This variant has not been reported in the literature in individuals affected with COL1A2-related conditions. ClinVar contains an entry for this variant (Variation ID: 575809). Advanced modeling of protein sequence and biophysical properties (such as structural, functional, and spatial information, amino acid conservation, physicochemical variation, residue mobility, and thermodynamic stability) performed at Invitae indicates that this missense variant is not expected to disrupt COL1A2 protein function with a negative predictive value of 95%. In summary, the available evidence is currently insufficient to determine the role of this variant in disease. Therefore, it has been classified as a Variant of Uncertain Significance.

Blueprint Genetics
Classification: Uncertain significance. Last evaluated: 2022-08-19. Review status: criteria provided, single submitter. Criteria: ACMG Guidelines, 2015. Collection method: clinical testing. Allele origin: germline.

NM_000089.4(COL1A2):c.1817T>C (p.Ile606Thr)

Gene: COL1A2 (collagen type I alpha 2 chain; plus strand). Cytogenetic location: 7q21.3.
Variant type: single nucleotide variant.
Coding change: c.1817T>C on transcript NM_000089.4 (MANE Select); coding-DNA position 1817, T replaced by C.
Protein change: p.Ile606Thr; replaces isoleucine 606 with threonine.
Molecular consequence: missense variant.
Genome position (GRCh38, 1-based): chr7:94,416,457, T>C. VCF-style: chr7-94416457-T-C. GRCh37 (hg19) VCF-style: chr7-94045769-T-C.
Other names: short protein forms I606T.
Identifiers: ClinVar variation 575809 (VCV000575809.14), dbSNP rs757262502, ClinGen allele CA4347209.